The following is an entry in ClinVar:

ClinVar aggregate classification (germline): Conflicting classifications of pathogenicity. Review status: criteria provided, conflicting classifications (1 of 4 stars). 2 submissions from 2 submitters: Uncertain significance (1); Likely benign (1). Last evaluated 2025-12-07.

Conditions:
Neuromuscular disease caused by qualitative or quantitative defects of dysferlin. Also called: Dysferlinopathy; Qualitative or quantitative defects of dysferlin. Identifiers: Orphanet 207073, MedGen C2931687, MONDO:0016145.
Autosomal recessive limb-girdle muscular dystrophy type 2B (LGMDR2). Also called: Limb-girdle muscular dystrophy, type 2B; MUSCULAR DYSTROPHY, LIMB-GIRDLE, AUTOSOMAL RECESSIVE 2; Limb-Girdle Muscular Dystrophy Type 2B (LGMD2B); MUSCULAR DYSTROPHY, LIMB-GIRDLE, TYPE 3. Identifiers: Orphanet 268, MedGen C1850889, MONDO:0009676, OMIM 253601.

Allele frequency attached by ClinVar (database versions not stated): gnomAD below 0.00001 and 0.00002; gnomAD exomes 0.00003 and 0.00004; ExAC 0.00007.
gnomAD v4.1: 51 of 1,613,404 alleles (0.0032%); highest among the groups gnomAD compares: South Asian, 0.051%; no homozygotes.

Submissions (2):

Labcorp Genetics (formerly Invitae), Labcorp
Classification: Likely benign for Neuromuscular disease caused by qualitative or quantitative defects of dysferlin. Last evaluated: 2025-12-07. Review status: criteria provided, single submitter. Criteria: Invitae Variant Classification Sherloc (09022015). Collection method: clinical testing. Allele origin: germline.

Broad Center for Mendelian Genomics, Broad Institute of MIT and Harvard
Classification: Uncertain significance for Autosomal recessive limb-girdle muscular dystrophy type 2B. Last evaluated: 2018-12-03. Review status: criteria provided, single submitter. Criteria: ACMG Guidelines, 2015. Collection method: research. Allele origin: germline. Inheritance: Autosomal recessive inheritance. Affected: yes.
Comment: This variant has been identified in 0.03284% (10/30450) of South Asian chromosomes in the Genome Aggregation Database (gnomAD; dbSNP rs767788624). Although this variant has been seen in the general population, its frequency is low enough to be consistent with a recessive carrier frequency. Computational prediction tools and conservation analyses do not provide strong support for or against an impact to the protein. In summary, the clinical significance of the p.Asp1477Asn variant is uncertain. ACMG/AMP Criteria applied: PM2 (Richards 2015).

NM_001130987.2(DYSF):c.4429G>A (p.Asp1477Asn)

Gene: DYSF (dysferlin; plus strand). Cytogenetic location: 2p13.2.
Variant type: single nucleotide variant.
Coding change: c.4429G>A on transcript NM_001130987.2 (MANE Select); coding-DNA position 4429, G replaced by A.
Protein change: p.Asp1477Asn; replaces aspartic acid 1477 with asparagine.
Molecular consequence: missense variant.
Genome position (GRCh38, 1-based): chr2:71,613,375, G>A. VCF-style: chr2-71613375-G-A. GRCh37 (hg19) VCF-style: chr2-71840505-G-A.
Other names: c.4378G>A, p.Asp1460Asn (NM_001130455.2, NM_001130983.2); c.4333G>A, p.Asp1445Asn (NM_001130976.2, NM_001130977.2); c.4375G>A, p.Asp1459Asn (NM_001130978.2, NM_003494.4); c.4468G>A, p.Asp1490Asn (NM_001130979.2); c.4426G>A, p.Asp1476Asn (NM_001130980.2, NM_001130981.2); c.4471G>A, p.Asp1491Asn (NM_001130982.2); c.4336G>A, p.Asp1446Asn (NM_001130984.2, NM_001130986.2); c.4429G>A, p.Asp1477Asn (NM_001130985.2); short protein forms D1445N, D1446N, D1476N, D1459N, D1460N, D1477N, D1490N, D1491N.
Identifiers: ClinVar variation 813989 (VCV000813989.6), dbSNP rs767788624, ClinGen allele CA1707005.